The following is an entry in ClinVar:

NM_004958.4(MTOR):c.4587G>C (p.Met1529Ile)

Genes: MTOR (mechanistic target of rapamycin kinase; minus strand), MTOR-AS1 (MTOR antisense RNA 1; plus strand). Cytogenetic location: 1p36.22.
Variant type: single nucleotide variant.
Coding change: c.4587G>C on transcript NM_004958.4 (MANE Select); coding-DNA position 4587, G replaced by C.
Protein change: p.Met1529Ile; replaces methionine 1529 with isoleucine.
Molecular consequence: missense variant.
Genome position (GRCh38, 1-based): chr1:11,146,775, C>G on the plus strand (G>C on the coding strand, the complement: MTOR is on the minus strand). VCF-style: chr1-11146775-C-G. GRCh37 (hg19) VCF-style: chr1-11206832-C-G.
Other names: c.4587G>C, p.Met1529Ile (NM_001386500.1); c.3339G>C, p.Met1113Ile (NM_001386501.1); short protein forms M1529I, M1113I.
Identifiers: ClinVar variation 1349845 (VCV001349845.8), dbSNP rs2100519922, ClinGen allele CA338368794.

ClinVar aggregate classification (germline): Uncertain significance (1 of 4 stars; one submission).

Submission:

Labcorp Genetics (formerly Invitae), Labcorp
Classification: Uncertain significance. Last evaluated: 2023-04-10. Review status: criteria provided, single submitter. Criteria: Invitae Variant Classification Sherloc (09022015). Collection method: clinical testing. Allele origin: germline.
Comment: In summary, the available evidence is currently insufficient to determine the role of this variant in disease. Therefore, it has been classified as a Variant of Uncertain Significance. Advanced modeling of protein sequence and biophysical properties (such as structural, functional, and spatial information, amino acid conservation, physicochemical variation, residue mobility, and thermodynamic stability) performed at Invitae indicates that this missense variant is not expected to disrupt MTOR protein function. ClinVar contains an entry for this variant (Variation ID: 1349845). This variant has not been reported in the literature in individuals affected with MTOR-related conditions. This variant is not present in population databases (gnomAD no frequency). This sequence change replaces methionine, which is neutral and non-polar, with isoleucine, which is neutral and non-polar, at codon 1529 of the MTOR protein (p.Met1529Ile).